The following is an entry in ClinVar:

ClinVar aggregate classification (germline): Likely pathogenic (1 of 4 stars; one submission).

Conditions:
Gaze palsy, familial horizontal, with progressive scoliosis 1 (HGPPS1). Identifiers: Orphanet 2744, MedGen C4551964, MONDO:0020790, OMIM 607313.

Allele frequency attached by ClinVar (database versions not stated): TOPMed 0.00001.

Submission:

Institute of Human Genetics, University of Leipzig Medical Center
Classification: Likely pathogenic for Gaze palsy, familial horizontal, with progressive scoliosis 1. Last evaluated: 2021-01-09. Review status: criteria provided, single submitter. Criteria: ACMG Guidelines, 2015. Collection method: curation. Allele origin: germline. Inheritance: Autosomal recessive inheritance. Affected: yes.
Comment: This ROBO3 variant was reported as Pathogenicâ€‹ in PMID: 24969490 with original nomenclature reported as c.2663 T>C [p. L888P]. Variant was re-classified as Likely Pathogenic based on the criteria PM2_Supporting, PM3_Moderate, PP4_Supporting, BP4_Supporting.

Literature cited by the submitters: PubMed 24969490.

NM_022370.4(ROBO3):c.2663T>C (p.Leu888Pro)

Genes: ROBO3 (roundabout guidance receptor 3; plus strand), LOC130007006 (ATAC-STARR-seq lymphoblastoid silent region 4035; plus strand). Cytogenetic location: 11q24.2.
Variant type: single nucleotide variant.
Coding change: c.2663T>C on transcript NM_022370.4 (MANE Select); coding-DNA position 2663, T replaced by C.
Protein change: p.Leu888Pro; replaces leucine 888 with proline.
Molecular consequence: missense variant. On other transcripts: 5 prime UTR variant (1), non-coding transcript variant (1).
Genome position (GRCh38, 1-based): chr11:124,876,344, T>C. VCF-style: chr11-124876344-T-C. GRCh37 (hg19) VCF-style: chr11-124746240-T-C.
Other names: c.-191T>C (NM_001370356.1); short protein forms L888P.
Identifiers: ClinVar variation 996103 (VCV000996103.1), dbSNP rs1946370497, ClinGen allele CA383149204.
Genomic context (GRCh38, chr11:124,876,344, plus strand): 5'-CGGACCTGGAGCCCGGGCTGGAGGTGGGCGCGGGGCTGGCGGTGCGGCTGGCGAGGGTGC[T>C]GCGGGAGCCCGCCTTCCTCGCGGGCAGCGGCGCAGCCTGCGGGGCGCTGCTTCTCGGGCT-3'
Protein context (NP_071765.2, residues 878-898): AGLAVRLARV[Leu888Pro]REPAFLAGSG